The following is an entry in ClinVar:

NM_005228.5(EGFR):c.2625+6G>C

Gene: EGFR (epidermal growth factor receptor; plus strand). Cytogenetic location: 7p11.2.
Variant type: single nucleotide variant.
Coding change: c.2625+6G>C on transcript NM_005228.5 (MANE Select); 6 bases into the intron after coding-DNA position 2625, G replaced by C.
Molecular consequence: intron variant.
Genome position (GRCh38, 1-based): chr7:55,191,880, G>C. VCF-style: chr7-55191880-G-C. GRCh37 (hg19) VCF-style: chr7-55259573-G-C.
Other names: c.2490+6G>C (NM_001346899.2, NM_001346897.2); c.1824+6G>C (NM_001346941.2); c.2625+6G>C (NM_001346898.2); c.2466+6G>C (NM_001346900.2).
Identifiers: ClinVar variation 1432694 (VCV001432694.6), dbSNP rs397517135, ClinGen allele CA2573142255.

ClinVar aggregate classification (germline): Uncertain significance (1 of 4 stars; one submission).

Conditions:
EGFR-related lung cancer (EGFR). Identifiers: MedGen CN130014.

Submission:

Labcorp Genetics (formerly Invitae), Labcorp
Classification: Uncertain significance for EGFR-related lung cancer. Last evaluated: 2021-07-01. Review status: criteria provided, single submitter. Criteria: Invitae Variant Classification Sherloc (09022015). Collection method: clinical testing. Allele origin: germline.
Comment: This sequence change falls in intron 21 of the EGFR gene. It does not directly change the encoded amino acid sequence of the EGFR protein. It affects a nucleotide within the consensus splice site of the intron. This variant is not present in population databases (ExAC no frequency). This variant has not been reported in the literature in individuals affected with EGFR-related conditions. Nucleotide substitutions within the consensus splice site are a relatively common cause of aberrant splicing (PMID: 17576681, 9536098). Algorithms developed to predict the effect of sequence changes on RNA splicing suggest that this variant is not likely to affect RNA splicing. In summary, the available evidence is currently insufficient to determine the role of this variant in disease. Therefore, it has been classified as a Variant of Uncertain Significance.

Literature cited by the submitters: PubMed 17576681; PubMed 9536098.